The following is an entry in ClinVar:

NM_005548.3(KARS1):c.770T>G (p.Phe257Cys)

Gene: KARS1 (lysyl-tRNA synthetase 1; minus strand). Cytogenetic location: 16q23.1.
Variant type: single nucleotide variant.
Coding change: c.770T>G on transcript NM_005548.3 (MANE Select); coding-DNA position 770, T replaced by G.
Protein change: p.Phe257Cys; replaces phenylalanine 257 with cysteine.
Molecular consequence: missense variant.
Genome position (GRCh38, 1-based): chr16:75,635,705, A>C on the plus strand (T>G on the coding strand, the complement: KARS1 is on the minus strand). VCF-style: chr16-75635705-A-C. GRCh37 (hg19) VCF-style: chr16-75669603-A-C.
Other names: c.854T>G, p.Phe285Cys (NM_001130089.2); c.302T>G, p.Phe101Cys (NM_001378148.1); short protein forms F101C, F257C, F285C.
Identifiers: ClinVar variation 2064153 (VCV002064153.2), dbSNP rs754054504, ClinGen allele CA8177516.

ClinVar aggregate classification (germline): Uncertain significance (1 of 4 stars; one submission).

Allele frequency attached by ClinVar (database versions not stated): ExAC 0.00001.
gnomAD v4.1: 1 of 1,614,186 alleles (0.000062%); highest among the groups gnomAD compares: Admixed American, 0.0017%; no homozygotes.

Submission:

Labcorp Genetics (formerly Invitae), Labcorp
Classification: Uncertain significance. Last evaluated: 2025-09-02. Review status: criteria provided, single submitter. Criteria: Invitae Variant Classification Sherloc (09022015). Collection method: clinical testing. Allele origin: germline.
Comment: This sequence change replaces phenylalanine, which is neutral and non-polar, with cysteine, which is neutral and slightly polar, at codon 285 of the KARS protein (p.Phe285Cys). This variant is present in population databases (rs754054504, gnomAD 0.003%). This variant has not been reported in the literature in individuals affected with KARS-related conditions. ClinVar contains an entry for this variant (Variation ID: 2064153). Invitae Evidence Modeling of protein sequence and biophysical properties (such as structural, functional, and spatial information, amino acid conservation, physicochemical variation, residue mobility, and thermodynamic stability) indicates that this missense variant is expected to disrupt KARS protein function with a positive predictive value of 80%. In summary, the available evidence is currently insufficient to determine the role of this variant in disease. Therefore, it has been classified as a Variant of Uncertain Significance.